The following is an entry in ClinVar:

ClinVar aggregate classification (germline): Likely benign (0 of 4 stars; one submission).

Conditions:
PLXNA3-related disorder. Also called: PLXNA3-related condition.

gnomAD v4.1: 28 of 1,211,094 alleles (0.0023%); highest among the groups gnomAD compares: Non-Finnish European, 0.0029%; no homozygotes.

Submission:

PreventionGenetics, part of Exact Sciences
Classification: Likely benign for PLXNA3-related condition. Last evaluated: 2022-03-30. Review status: no assertion criteria provided. Collection method: clinical testing. Allele origin: germline.
Comment: This variant is classified as likely benign based on ACMG/AMP sequence variant interpretation guidelines (Richards et al. 2015 PMID: 25741868, with internal and published modifications).

NM_017514.5(PLXNA3):c.876G>A (p.Val292=)

Gene: PLXNA3 (plexin A3; plus strand). Cytogenetic location: Xq28.
Variant type: single nucleotide variant.
Coding change: c.876G>A on transcript NM_017514.5 (MANE Select); coding-DNA position 876, G replaced by A.
Protein change: p.Val292=; no amino-acid change (valine 292 retained).
Molecular consequence: synonymous variant.
Genome position (GRCh38, 1-based): chrX:154,461,380, G>A. VCF-style: chrX-154461380-G-A. GRCh37 (hg19) VCF-style: chrX-153689720-G-A.
Identifiers: ClinVar variation 3355587 (VCV003355587.1).
Genomic context (GRCh38, chrX:154,461,380, plus strand): 5'-CTACTCATACGTGGAATTCCCCATCGGCTGCTCCTGGCGCGGCGTGGAGTACCGCTTGGT[G>A]CAGAGCGCCCACCTGGCCAAGCCTGGCCTGCTGCTGGCCCAGGCCCTGGGCGTGCCGGCT-3'
Protein context (NP_059984.3, residues 282-302): CSWRGVEYRL[Val292=]QSAHLAKPGL